The following is an entry in ClinVar:

NM_022765.4(MICAL1):c.647C>T (p.Ser216Leu)

Gene: MICAL1 (microtubule associated monooxygenase, calponin and LIM domain containing 1; minus strand). Cytogenetic location: 6q21.
Variant type: single nucleotide variant.
Coding change: c.647C>T on transcript NM_022765.4 (MANE Select); coding-DNA position 647, C replaced by T.
Protein change: p.Ser216Leu; replaces serine 216 with leucine.
Molecular consequence: missense variant.
Genome position (GRCh38, 1-based): chr6:109,452,540, G>A on the plus strand (C>T on the coding strand, the complement: MICAL1 is on the minus strand). VCF-style: chr6-109452540-G-A. GRCh37 (hg19) VCF-style: chr6-109773743-G-A.
Other names: c.647C>T, p.Ser216Leu (NM_001159291.2); c.704C>T, p.Ser235Leu (NM_001286613.2); short protein forms S235L, S216L.
Identifiers: ClinVar variation 2985628 (VCV002985628.3), dbSNP rs1289209410, ClinGen allele CA365232861.

ClinVar aggregate classification (germline): Uncertain significance (1 of 4 stars; one submission).

Allele frequency attached by ClinVar (database versions not stated): gnomAD exomes below 0.00001; TOPMed below 0.00001.
gnomAD v4.1: 6 of 1,614,042 alleles (0.00037%); highest among the groups gnomAD compares: South Asian, 0.0044%; no homozygotes.

Submission:

Labcorp Genetics (formerly Invitae), Labcorp
Classification: Uncertain significance. Last evaluated: 2023-09-15. Review status: criteria provided, single submitter. Criteria: Invitae Variant Classification Sherloc (09022015). Collection method: clinical testing. Allele origin: germline.
Comment: This variant has not been reported in the literature in individuals affected with MICAL1-related conditions. This sequence change replaces serine, which is neutral and polar, with leucine, which is neutral and non-polar, at codon 235 of the MICAL1 protein (p.Ser235Leu). This variant is present in population databases (no rsID available, gnomAD 0.01%). An algorithm developed to predict the effect of missense changes on protein structure and function (PolyPhen-2) suggests that this variant is likely to be disruptive. In summary, the available evidence is currently insufficient to determine the role of this variant in disease. Therefore, it has been classified as a Variant of Uncertain Significance.